The following is an entry in ClinVar:

NM_001127178.3(PIGG):c.1858G>C (p.Ala620Pro)

Gene: PIGG (phosphatidylinositol glycan anchor biosynthesis class G (EMM blood group); plus strand). Cytogenetic location: 4p16.3.
Variant type: single nucleotide variant.
Coding change: c.1858G>C on transcript NM_001127178.3 (MANE Select); coding-DNA position 1858, G replaced by C.
Protein change: p.Ala620Pro; replaces alanine 620 with proline.
Molecular consequence: missense variant. On other transcripts: non-coding transcript variant (6).
Genome position (GRCh38, 1-based): chr4:523,702, G>C. VCF-style: chr4-523702-G-C. GRCh37 (hg19) VCF-style: chr4-517491-G-C.
Other names: c.1591G>C, p.Ala531Pro (NM_001289051.2, NM_001345986.2); c.1459G>C, p.Ala487Pro (NM_001289052.2); c.1567G>C, p.Ala523Pro (NM_001345987.2); c.829G>C, p.Ala277Pro (NM_001345988.2); c.325G>C, p.Ala109Pro (NM_001345990.2, NM_001345991.2); c.760G>C, p.Ala254Pro (NM_001345994.2); c.1834G>C, p.Ala612Pro (NM_017733.5); short protein forms A487P, A612P, A523P, A531P, A620P, A109P, A277P, A254P.
Identifiers: ClinVar variation 840278 (VCV000840278.10), dbSNP rs1726727453, ClinGen allele CA355907448.

ClinVar aggregate classification (germline): Uncertain significance (1 of 4 stars; one submission).

Conditions:
Intellectual disability, autosomal recessive 53 (NEDHSCA). Also called: GLYCOSYLPHOSPHATIDYLINOSITOL BIOSYNTHESIS DEFECT 13; Mental retardation, autosomal recessive 53; NEURODEVELOPMENTAL DISORDER WITH OR WITHOUT HYPOTONIA, SEIZURES, AND CEREBELLAR ATROPHY. Identifiers: Orphanet 488635, MedGen C4310794, MONDO:0014832, OMIM 616917.

Submission:

Labcorp Genetics (formerly Invitae), Labcorp
Classification: Uncertain significance for Intellectual disability, autosomal recessive 53. Last evaluated: 2019-02-19. Review status: criteria provided, single submitter. Criteria: Invitae Variant Classification Sherloc (09022015). Collection method: clinical testing. Allele origin: germline.
Comment: In summary, the available evidence is currently insufficient to determine the role of this variant in disease. Therefore, it has been classified as a Variant of Uncertain Significance. Algorithms developed to predict the effect of missense changes on protein structure and function output the following: SIFT: "Tolerated"; PolyPhen-2: "Benign"; Align-GVGD: "Class C0". The proline amino acid residue is found in multiple mammalian species, suggesting that this missense change does not adversely affect protein function. These predictions have not been confirmed by published functional studies and their clinical significance is uncertain. This variant has not been reported in the literature in individuals with PIGG-related conditions. This variant is not present in population databases (ExAC no frequency). This sequence change replaces alanine with proline at codon 620 of the PIGG protein (p.Ala620Pro). The alanine residue is weakly conserved and there is a small physicochemical difference between alanine and proline.